The following is an entry in ClinVar:

NM_004655.4(AXIN2):c.1873G>C (p.Glu625Gln)

Gene: AXIN2 (axin 2; minus strand). Cytogenetic location: 17q24.1.
Variant type: single nucleotide variant.
Coding change: c.1873G>C on transcript NM_004655.4 (MANE Select); coding-DNA position 1873, G replaced by C.
Protein change: p.Glu625Gln; replaces glutamic acid 625 with glutamine.
Molecular consequence: missense variant. On other transcripts: intron variant (1).
Genome position (GRCh38, 1-based): chr17:65,536,903, C>G on the plus strand (G>C on the coding strand, the complement: AXIN2 is on the minus strand). VCF-style: chr17-65536903-C-G. GRCh37 (hg19) VCF-style: chr17-63533021-C-G.
Other names: c.1713-350G>C (NM_001363813.1); c.1873G>C (NM_004655.3); short protein forms E625Q.
Identifiers: ClinVar variation 1497990 (VCV001497990.9), dbSNP rs2144448744, ClinGen allele CA400676441.

ClinVar aggregate classification (germline): Uncertain significance. Review status: criteria provided, multiple submitters, no conflicts (2 of 4 stars). 2 submissions from 2 submitters: Uncertain significance (2). Last evaluated 2024-03-06.

Conditions:
Oligodontia-cancer predisposition syndrome. Also called: TOOTH AGENESIS-COLORECTAL CANCER SYNDROME. Identifiers: Orphanet 300576, MedGen C1837750, MONDO:0012075, OMIM 608615. Disease mechanism: loss of function.
Hereditary cancer-predisposing syndrome. Also called: Tumor predisposition; Hereditary neoplastic syndrome; Neoplastic Syndromes, Hereditary; Hereditary Cancer Syndrome. Identifiers: Orphanet 140162, MedGen C0027672, MeSH D009386, MONDO:0015356.

Submissions (2):

Ambry Genetics
Classification: Uncertain significance for Hereditary cancer-predisposing syndrome. Last evaluated: 2024-03-06. Review status: criteria provided, single submitter. Criteria: Ambry Variant Classification Scheme 2023. Collection method: clinical testing. Allele origin: germline.
Comment: The p.E625Q variant (also known as c.1873G>C), located in coding exon 6 of the AXIN2 gene, results from a G to C substitution at nucleotide position 1873. The glutamic acid at codon 625 is replaced by glutamine, an amino acid with highly similar properties. This amino acid position is conserved. In addition, the in silico prediction for this alteration is inconclusive. Based on the available evidence, the clinical significance of this alteration remains unclear.

Labcorp Genetics (formerly Invitae), Labcorp
Classification: Uncertain significance for Oligodontia-cancer predisposition syndrome. Last evaluated: 2024-02-11. Review status: criteria provided, single submitter. Criteria: Invitae Variant Classification Sherloc (09022015). Collection method: clinical testing. Allele origin: germline.
Comment: This sequence change replaces glutamic acid, which is acidic and polar, with glutamine, which is neutral and polar, at codon 625 of the AXIN2 protein (p.Glu625Gln). This variant is not present in population databases (gnomAD no frequency). This variant has not been reported in the literature in individuals affected with AXIN2-related conditions. ClinVar contains an entry for this variant (Variation ID: 1497990). Advanced modeling of protein sequence and biophysical properties (such as structural, functional, and spatial information, amino acid conservation, physicochemical variation, residue mobility, and thermodynamic stability) has been performed at Invitae for this missense variant, however the output from this modeling did not meet the statistical confidence thresholds required to predict the impact of this variant on AXIN2 protein function. In summary, the available evidence is currently insufficient to determine the role of this variant in disease. Therefore, it has been classified as a Variant of Uncertain Significance.